The following is an entry in ClinVar:

ClinVar aggregate classification (germline): Uncertain significance. Review status: criteria provided, multiple submitters, no conflicts (2 of 4 stars). 2 submissions from 2 submitters: Uncertain significance (2). Last evaluated 2025-08-31.

Submissions (2):

Ambry Genetics
Classification: Uncertain significance. Last evaluated: 2025-08-31. Review status: criteria provided, single submitter. Criteria: Ambry Variant Classification Scheme 2023. Collection method: clinical testing. Allele origin: germline.
Comment: The p.C413R variant (also known as c.1237T>C), located in coding exon 11 of the GEN1 gene, results from a T to C substitution at nucleotide position 1237. The cysteine at codon 413 is replaced by arginine, an amino acid with highly dissimilar properties. This amino acid position is conserved. In addition, the in silico prediction for this alteration is inconclusive. Based on the available evidence, the clinical significance of this variant remains unclear.

Labcorp Genetics (formerly Invitae), Labcorp
Classification: Uncertain significance. Last evaluated: 2021-02-28. Review status: criteria provided, single submitter. Criteria: Invitae Variant Classification Sherloc (09022015). Collection method: clinical testing. Allele origin: germline.
Comment: In summary, the available evidence is currently insufficient to determine the role of this variant in disease. Therefore, it has been classified as a Variant of Uncertain Significance. Algorithms developed to predict the effect of missense changes on protein structure and function are either unavailable or do not agree on the potential impact of this missense change (SIFT: "Tolerated"; PolyPhen-2: "Probably Damaging"; Align-GVGD: "Class C0"). This variant has not been reported in the literature in individuals with GEN1-related conditions. This variant is not present in population databases (ExAC no frequency). This sequence change replaces cysteine with arginine at codon 413 of the GEN1 protein (p.Cys413Arg). The cysteine residue is highly conserved and there is a large physicochemical difference between cysteine and arginine.

NM_001130009.3(GEN1):c.1237T>C (p.Cys413Arg)

Gene: GEN1 (GEN1 structure-specific endonuclease; plus strand). Cytogenetic location: 2p24.2.
Variant type: single nucleotide variant.
Coding change: c.1237T>C on transcript NM_001130009.3 (MANE Select); coding-DNA position 1237, T replaced by C.
Protein change: p.Cys413Arg; replaces cysteine 413 with arginine.
Molecular consequence: missense variant.
Genome position (GRCh38, 1-based): chr2:17,778,036, T>C. VCF-style: chr2-17778036-T-C. GRCh37 (hg19) VCF-style: chr2-17959303-T-C.
Other names: c.1237T>C, p.Cys413Arg (NM_182625.5); c.1237T>C (NM_001130009.1); short protein forms C413R.
Identifiers: ClinVar variation 1483063 (VCV001483063.9), dbSNP rs199769297, ClinGen allele CA43355861.
Genomic context (GRCh38, chr2:17,778,036, plus strand): 5'-CTTCATTAAATGAATTTGTTTTTCAGAATTGTTAAGACTCGAATCAGAAATGGAGTTCAT[T>C]GTTTTGAAATAGAATGGGAAAAGCCTGGTATGTATTCACTTTAAGCAAAATATTCCATTT-3'
Protein context (NP_001123481.3, residues 403-423): VKTRIRNGVH[Cys413Arg]FEIEWEKPEH